The following is an entry in ClinVar:

ClinVar aggregate classification (germline): Pathogenic/Likely pathogenic. Review status: criteria provided, multiple submitters, no conflicts (2 of 4 stars). 4 submissions from 4 submitters: Pathogenic (3); Likely pathogenic (1). Last evaluated 2025-05-31.

Conditions:
HGSNAT-related disorders.
Mucopolysaccharidosis, MPS-III-C (MPS3C). Also called: SANFILIPPO SYNDROME C; MPS III C; Mucopolysaccharidosis type IIIC (Sanfilippo C); MUCOPOLYSACCHARIDOSIS, TYPE IIIC; mucopolysaccharidosis type 3C; MPS IIIC (Sanfilippo Syndrome Type C). Identifiers: Orphanet 581, Orphanet 79271, MedGen C0086649, MONDO:0009657, OMIM 252930.
Retinitis pigmentosa 73 (RP73). Identifiers: Orphanet 791, MedGen C4225287, MONDO:0014687, OMIM 616544.

Allele frequency attached by ClinVar (database versions not stated): gnomAD 0.00002; gnomAD exomes 0.00002; ExAC 0.00003.

Submissions (4):

GeneDx
Classification: Pathogenic. Last evaluated: 2025-05-31. Review status: criteria provided, single submitter. Criteria: GeneDx Variant Classification Process June 2021. Collection method: clinical testing. Allele origin: germline. Affected: yes.
Comment: Reported previously in an unaffected carrier; however, no further information was provided (PMID: 31964843); Frameshift variant predicted to result in protein truncation or nonsense mediated decay in a gene for which loss of function is a known mechanism of disease; This variant is associated with the following publications: (PMID: 31964843)

Natera, Inc.
Classification: Likely pathogenic for Mucopolysaccharidosis type IIIC. Last evaluated: 2024-05-16. Review status: criteria provided, single submitter. Criteria: Natera Variant Classification Schema (03/2026). Collection method: clinical testing. Allele origin: germline.
Comment: The c.451del variant in HGSNAT is a frameshift variant predicted to shift the reading frame beginning at codon 151 and leads to a stop codon 5 codons downstream. This variant is expected to result in nonsense mediated decay, truncation, or a dysfunctional protein product. This variant is rare in the general population with a frequency below the threshold expected for the associated phenotype(s). Given the available evidence, this variant is classified as Likely Pathogenic.

Labcorp Genetics (formerly Invitae), Labcorp
Classification: Pathogenic for Retinitis pigmentosa 73; Mucopolysaccharidosis, MPS-III-C. Last evaluated: 2023-02-03. Review status: criteria provided, single submitter. Criteria: Invitae Variant Classification Sherloc (09022015). Collection method: clinical testing. Allele origin: germline.
Comment: This sequence change creates a premature translational stop signal (p.Cys151Valfs*5) in the HGSNAT gene. It is expected to result in an absent or disrupted protein product. Loss-of-function variants in HGSNAT are known to be pathogenic (PMID: 17033958, 19479962). This variant is present in population databases (rs758216916, gnomAD 0.04%). This variant has not been reported in the literature in individuals affected with HGSNAT-related conditions. For these reasons, this variant has been classified as Pathogenic.

Blueprint Genetics
Classification: Pathogenic for HGSNAT-related disorders. Last evaluated: 2021-04-08. Review status: criteria provided, single submitter. Criteria: ACMG Guidelines, 2015. Collection method: clinical testing. Allele origin: germline. Affected: yes. Observed: 5 variant alleles.

Literature cited by the submitters: PubMed 17033958 (cited by Labcorp Genetics (formerly Invitae), Labcorp); PubMed 19479962 (cited by Labcorp Genetics (formerly Invitae), Labcorp).

NM_152419.3(HGSNAT):c.451del (p.Cys151fs)

Gene: HGSNAT (heparan-alpha-glucosaminide N-acetyltransferase; plus strand). Cytogenetic location: 8p11.21.
Variant type: Deletion.
Coding change: c.451del on transcript NM_152419.3 (MANE Select); coding-DNA position 451, one base deleted (T; older notation c.451delT).
Protein change: p.Cys151fs; shifts the reading frame from cysteine 151.
Molecular consequence: frameshift variant. On other transcripts: 5 prime UTR variant (1).
Genome position (GRCh38, 1-based): chr8:43,159,002, T deleted. VCF-style (leftmost placement, unchanged base first): chr8-43159001-CT-C. GRCh37 (hg19) VCF-style: chr8-43014144-CT-C.
Other names: c.451del (NM_152419.2); c.451del, p.Cys151fs (NM_001363227.2, NM_001363228.2); c.-383del (NM_001363229.2); short protein forms C151fs.
Identifiers: ClinVar variation 2946125 (VCV002946125.6), dbSNP rs758216916, ClinGen allele CA4736507.
Genomic context (GRCh38, chr8:43,159,001, plus strand): 5'-AGAATTTGGAAACTATTCTCTCTTGGTAAAGAACATCCATAATGGAGTTAGTGAAATTGC[CT>C]GTGACCTGGCTGTGAACGAGGATCCAGTTGATAGTAACCTTCGTACGTATATGTTCTCTG-3'